The following is an entry in ClinVar:

ClinVar aggregate classification (germline): Likely benign (1 of 4 stars; one submission).

Conditions:
Aicardi-Goutieres syndrome 4. Identifiers: Orphanet 51, MedGen C1835912, MONDO:0012472, OMIM 610333.

Allele frequency attached by ClinVar (database versions not stated): gnomAD 0.00215 and 0.00198; 1000 Genomes Project 30x 0.00078; 1000 Genomes Project 0.00080; TOPMed 0.00211.
gnomAD v4.1: 3,239 of 1,224,830 alleles (0.26%); highest among the groups gnomAD compares: Non-Finnish European, 0.35%; 8 homozygotes.

Submission:

Illumina Laboratory Services, Illumina
Classification: Likely benign for Aicardi-Goutieres syndrome 4. Last evaluated: 2018-01-13. Review status: criteria provided, single submitter. Criteria: ICSL Variant Classification Criteria 13 December 2019. Collection method: clinical testing. Allele origin: germline.
Comment: This variant was observed in the ICSL laboratory as part of a predisposition screen in an ostensibly healthy population. It had not been previously curated by ICSL or reported in the Human Gene Mutation Database (HGMD: prior to June 1st, 2018), and was therefore a candidate for classification through an automated scoring system. Utilizing variant allele frequency, disease prevalence and penetrance estimates, and inheritance mode, an automated score was calculated to assess if this variant is too frequent to cause the disease. Based on the score and internal cut-off values, a variant classified as likely benign is not then subjected to further curation. The score for this variant resulted in a classification of likely benign for this disease.

NM_006397.3(RNASEH2A):c.*123G>A

Gene: RNASEH2A (ribonuclease H2 subunit A; plus strand). Cytogenetic location: 19p13.13.
Variant type: single nucleotide variant.
Coding change: c.*123G>A on transcript NM_006397.3 (MANE Select); 123 bases downstream of the stop codon, G replaced by A.
Molecular consequence: 3 prime UTR variant.
Genome position (GRCh38, 1-based): chr19:12,813,589, G>A. VCF-style: chr19-12813589-G-A. GRCh37 (hg19) VCF-style: chr19-12924403-G-A.
Identifiers: ClinVar variation 889115 (VCV000889115.4), dbSNP rs533069935, ClinGen allele CA305494018.